The following is an entry in ClinVar:

ClinVar aggregate classification (germline): Uncertain significance (1 of 4 stars; one submission).

Submission:

Labcorp Genetics (formerly Invitae), Labcorp
Classification: Uncertain significance. Last evaluated: 2024-02-28. Review status: criteria provided, single submitter. Criteria: Invitae Variant Classification Sherloc (09022015). Collection method: clinical testing. Allele origin: germline.
Comment: This sequence change replaces threonine, which is neutral and polar, with asparagine, which is neutral and polar, at codon 1000 of the AMER1 protein (p.Thr1000Asn). This variant is not present in population databases (gnomAD no frequency). This variant has not been reported in the literature in individuals affected with AMER1-related conditions. An algorithm developed to predict the effect of missense changes on protein structure and function (PolyPhen-2) suggests that this variant is likely to be tolerated. In summary, the available evidence is currently insufficient to determine the role of this variant in disease. Therefore, it has been classified as a Variant of Uncertain Significance.

NM_152424.4(AMER1):c.2999C>A (p.Thr1000Asn)

Gene: AMER1 (APC membrane recruitment protein 1; minus strand). Cytogenetic location: Xq11.2.
Variant type: single nucleotide variant.
Coding change: c.2999C>A on transcript NM_152424.4 (MANE Select); coding-DNA position 2999, C replaced by A.
Protein change: p.Thr1000Asn; replaces threonine 1000 with asparagine.
Molecular consequence: missense variant.
Genome position (GRCh38, 1-based): chrX:64,190,288, G>T on the plus strand (C>A on the coding strand, the complement: AMER1 is on the minus strand). VCF-style: chrX-64190288-G-T. GRCh37 (hg19) VCF-style: chrX-63410168-G-T.
Other names: short protein forms T1000N.
Identifiers: ClinVar variation 2731339 (VCV002731339.3), dbSNP rs2147084804, ClinGen allele CA413301718.